The following is an entry in ClinVar:

NM_021625.5(TRPV4):c.2320C>T (p.Arg774Cys)

Gene: TRPV4 (transient receptor potential cation channel subfamily V member 4; minus strand). Cytogenetic location: 12q24.11.
Variant type: single nucleotide variant.
Coding change: c.2320C>T on transcript NM_021625.5 (MANE Select); coding-DNA position 2320, C replaced by T.
Protein change: p.Arg774Cys; replaces arginine 774 with cysteine.
Molecular consequence: missense variant.
Genome position (GRCh38, 1-based): chr12:109,786,726, G>A on the plus strand (C>T on the coding strand, the complement: TRPV4 is on the minus strand). VCF-style: chr12-109786726-G-A. GRCh37 (hg19) VCF-style: chr12-110224531-G-A.
Other names: c.2179C>T, p.Arg727Cys (NM_001177428.2); c.2218C>T, p.Arg740Cys (NM_001177431.2); c.1999C>T, p.Arg667Cys (NM_001177433.2); c.2140C>T, p.Arg714Cys (NM_147204.3); short protein forms R774C, R714C, R667C, R740C, R727C.
Identifiers: ClinVar variation 536854 (VCV000536854.18), dbSNP rs145102919, ClinGen allele CA6779965.

ClinVar aggregate classification (germline): Conflicting classifications of pathogenicity. Review status: criteria provided, conflicting classifications (1 of 4 stars). 10 submissions from 5 submitters: Uncertain significance (2); Likely benign (7). 1 of the submissions does not count toward it. Last evaluated 2026-08-06.

Conditions:
Charcot-Marie-Tooth disease. Also called: Charcot-Marie-Tooth Hereditary Neuropathy; Charcot-Marie-Tooth Neuropathy. Identifiers: Orphanet 166, MedGen C0007959, MONDO:0015626.
Scapuloperoneal spinal muscular atrophy (SPSMA). Also called: Scapuloperoneal spinal muscular atrophy, autosomal dominant; AMYOTROPHY, NEUROGENIC SCAPULOPERONEAL, NEW ENGLAND TYPE; Scapuloperoneal Form of Spinal Muscular Atrophy; Scapuloperoneal Spinal Muscular Atrophy, TRPV4-Related. Identifiers: Orphanet 431255, MedGen C0751335, MONDO:0008408, OMIM 181405.
Charcot-Marie-Tooth disease axonal type 2C (HMSN2C). Also called: CHARCOT-MARIE-TOOTH DISEASE, AXONAL, AUTOSOMAL DOMINANT, TYPE 2C; Charcot-Marie-Tooth Neuropathy Type 2C; Charcot-Marie-Tooth Disease Type 2, TRPV4-Related (CMT2C). Identifiers: Orphanet 99937, MedGen C1853710, MONDO:0011633, OMIM 606071.
TRPV4-related disorder. Also called: TRPV4-related disorders; TRPV4-related condition.
Inborn genetic diseases. Identifiers: MedGen C0950123, MeSH D030342.
Metatropic dysplasia (MTD). Also called: Metatropic dysplasia, nonlethal dominant; Metatropic Dysplasia, TRPV4-Related; METATROPIC DWARFISM. Identifiers: Orphanet 2635, MedGen C0265281, MONDO:0007986, OMIM 156530.
Neuronopathy, distal hereditary motor, autosomal dominant 8. Also called: Autosomal dominant congenital benign spinal muscular atrophy; NEURONOPATHY, DISTAL HEREDITARY MOTOR, TYPE VIII; NEUROPATHY, DISTAL HEREDITARY MOTOR, TYPE VIII; SPINAL MUSCULAR ATROPHY, CONGENITAL BENIGN, WITH CONTRACTURES. Identifiers: Orphanet 1216, MedGen C1838492, MONDO:0010839, OMIM 600175.
Brachyrachia (short spine dysplasia) (BCYM3). Also called: Autosomal dominant brachyolmia; Brachyolmia, TRPV4-Related; BRACHYRACHIA; Brachyolmia Type 3. Identifiers: Orphanet 93304, MedGen C0432227, MONDO:0007232, OMIM 113500.
Spondylometaphyseal dysplasia, Kozlowski type (SMDK). Also called: Spondylometaphyseal Dysplasia, TRPV4-Related (Kozlowski Type); Dysmorphism arthrogryposis skeletal maturation advanced; Jequier-Kozlowski syndrome; Skeletal dysplasia Jequier-Kozlowski type; SMD Kozlowski type. Identifiers: Orphanet 93314, MedGen C0265280, MONDO:0008477, OMIM 184252.

Allele frequency attached by ClinVar (database versions not stated): gnomAD exomes 0.00006 and 0.00010; ExAC 0.00007; gnomAD 0.00007; TOPMed 0.00012; ESP Exome Variant Server 0.00015.
gnomAD v4.1: 99 of 1,613,754 alleles (0.0061%); highest among the groups gnomAD compares: Admixed American, 0.01%; no homozygotes.

Submissions (10):

PreventionGenetics, part of Exact Sciences
Classification: Likely benign for TRPV4-related condition. Last evaluated: 2026-08-06. Review status: criteria provided, single submitter. Criteria: ACMG Guidelines, 2015. Collection method: clinical testing. Allele origin: germline.
Comment: This variant is classified as likely benign based on ACMG/AMP sequence variant interpretation guidelines (Richards et al. 2015 PMID: 25741868, with internal and published modifications).

Labcorp Genetics (formerly Invitae), Labcorp
Classification: Likely benign for Charcot-Marie-Tooth disease axonal type 2C. Last evaluated: 2026-01-06. Review status: criteria provided, single submitter. Criteria: Invitae Variant Classification Sherloc (09022015). Collection method: clinical testing. Allele origin: germline.

Ambry Genetics
Classification: Uncertain significance for Inborn genetic diseases. Last evaluated: 2020-05-11. Review status: criteria provided, single submitter. Criteria: Ambry Variant Classification Scheme 2023. Collection method: clinical testing. Allele origin: germline.
Comment: The p.R774C variant (also known as c.2320C>T), located in coding exon 13 of the TRPV4 gene, results from a C to T substitution at nucleotide position 2320. The arginine at codon 774 is replaced by cysteine, an amino acid with highly dissimilar properties. This amino acid position is well conserved in available vertebrate species. In addition, this alteration is predicted to be deleterious by in silico analysis. Since supporting evidence is limited at this time, the clinical significance of this alteration remains unclear.

Illumina Laboratory Services, Illumina
Classification: Likely benign for Metatropic dysplasia. Last evaluated: 2018-01-13. Review status: criteria provided, single submitter. Criteria: ICSL Variant Classification Criteria 13 December 2019. Collection method: clinical testing. Allele origin: germline.
Comment: This variant was observed in the ICSL laboratory as part of a predisposition screen in an ostensibly healthy population. It had not been previously curated by ICSL or reported in the Human Gene Mutation Database (HGMD: prior to June 1st, 2018), and was therefore a candidate for classification through an automated scoring system. Utilizing variant allele frequency, disease prevalence and penetrance estimates, and inheritance mode, an automated score was calculated to assess if this variant is too frequent to cause the disease. Based on the score and internal cut-off values, a variant classified as likely benign is not then subjected to further curation. The score for this variant resulted in a classification of likely benign for this disease.

Illumina Laboratory Services, Illumina
Classification: Likely benign for Brachyrachia (short spine dysplasia). Last evaluated: 2018-01-13. Review status: criteria provided, single submitter. Criteria: ICSL Variant Classification Criteria 13 December 2019. Collection method: clinical testing. Allele origin: germline.
Comment: the same text as in the submission from Illumina Laboratory Services, Illumina above.

Illumina Laboratory Services, Illumina
Classification: Likely benign for Scapuloperoneal spinal muscular atrophy. Last evaluated: 2018-01-13. Review status: criteria provided, single submitter. Criteria: ICSL Variant Classification Criteria 13 December 2019. Collection method: clinical testing. Allele origin: germline.
Comment: the same text as in the submission from Illumina Laboratory Services, Illumina above.

Illumina Laboratory Services, Illumina
Classification: Likely benign for Neuronopathy, distal hereditary motor, autosomal dominant 8. Last evaluated: 2018-01-13. Review status: criteria provided, single submitter. Criteria: ICSL Variant Classification Criteria 13 December 2019. Collection method: clinical testing. Allele origin: germline.
Comment: the same text as in the submission from Illumina Laboratory Services, Illumina above.

Illumina Laboratory Services, Illumina
Classification: Uncertain significance for Charcot-Marie-Tooth disease axonal type 2C. Last evaluated: 2018-01-13. Review status: criteria provided, single submitter. Criteria: ICSL Variant Classification Criteria 13 December 2019. Collection method: clinical testing. Allele origin: germline.

Illumina Laboratory Services, Illumina
Classification: Likely benign for Spondylometaphyseal dysplasia, Kozlowski type. Last evaluated: 2018-01-13. Review status: criteria provided, single submitter. Criteria: ICSL Variant Classification Criteria 13 December 2019. Collection method: clinical testing. Allele origin: germline.
Comment: the same text as in the submission from Illumina Laboratory Services, Illumina above.

Genesis Genome Database
Classification: Uncertain significance for Charcot-Marie-Tooth disease. Last evaluated: 2019-08-14. Review status: no assertion criteria provided. Collection method: research. Allele origin: germline. Affected: yes. Not counted in ClinVar's aggregate classification.